The following is an entry in ClinVar:

ClinVar aggregate classification (germline): Likely benign. Review status: criteria provided, multiple submitters, no conflicts (2 of 4 stars). 2 submissions from 2 submitters: Likely benign (2). Last evaluated 2024-10-01.

Allele frequency attached by ClinVar (database versions not stated): 1000 Genomes Project 0.00260; 1000 Genomes Project 30x 0.00265; gnomAD 0.00314 and 0.00353; ESP Exome Variant Server 0.00315; gnomAD exomes 0.00335 and 0.00431; ExAC 0.00347; TOPMed 0.00383.
gnomAD v4.1: 6,781 of 1,613,676 alleles (0.42%); highest among the groups gnomAD compares: Non-Finnish European, 0.49%; 36 homozygotes.

Submissions (2):

CeGaT Center for Human Genetics Tuebingen
Classification: Likely benign. Last evaluated: 2024-10-01. Review status: criteria provided, single submitter. Criteria: CeGaT Center For Human Genetics Tuebingen Variant Classification Criteria Version 2. Collection method: clinical testing. Allele origin: germline. Affected: yes. Observed: 1 variant allele.
Comment: LAMC1: BP4, BS2

Labcorp Genetics (formerly Invitae), Labcorp
Classification: Likely benign. Last evaluated: 2018-04-19. Review status: criteria provided, single submitter. Criteria: Invitae Variant Classification Sherloc (09022015). Collection method: clinical testing. Allele origin: germline.

NM_002293.4(LAMC1):c.3796G>A (p.Glu1266Lys)

Gene: LAMC1 (laminin subunit gamma 1; plus strand). Cytogenetic location: 1q25.3.
Variant type: single nucleotide variant.
Coding change: c.3796G>A on transcript NM_002293.4 (MANE Select); coding-DNA position 3796, G replaced by A.
Protein change: p.Glu1266Lys; replaces glutamic acid 1266 with lysine.
Molecular consequence: missense variant.
Genome position (GRCh38, 1-based): chr1:183,133,497, G>A. VCF-style: chr1-183133497-G-A. GRCh37 (hg19) VCF-style: chr1-183102632-G-A.
Other names: short protein forms E1266K.
Identifiers: ClinVar variation 789262 (VCV000789262.17), dbSNP rs34995260, ClinGen allele CA1281830.